The following is an entry in ClinVar:

ClinVar aggregate classification (germline): Conflicting classifications of pathogenicity. Review status: criteria provided, conflicting classifications (1 of 4 stars). 5 submissions from 5 submitters: Uncertain significance (1); Likely benign (4). Last evaluated 2025-06-18.

Conditions:
Alagille syndrome due to a JAG1 point mutation. Also called: Alagille Syndrome 1; HEPATIC DUCTULAR HYPOPLASIA, SYNDROMATIC; JAG1-Related Alagille Syndrome. Identifiers: Orphanet 261619, Orphanet 52, MedGen C1956125, MONDO:0016862, OMIM 118450.
Cardiovascular phenotype. Identifiers: MedGen CN230736.
Isolated Nonsyndromic Congenital Heart Disease.

Allele frequency attached by ClinVar (database versions not stated): gnomAD exomes 0.00001 and 0.00002; ExAC 0.00002; TOPMed 0.00002; gnomAD 0.00005 and 0.00006.
gnomAD v4.1: 26 of 1,613,982 alleles (0.0016%); highest among the groups gnomAD compares: East Asian, 0.0045%; no homozygotes.

Submissions (5):

Labcorp Genetics (formerly Invitae), Labcorp
Classification: Likely benign for Alagille syndrome due to a JAG1 point mutation. Last evaluated: 2025-06-18. Review status: criteria provided, single submitter. Criteria: Invitae Variant Classification Sherloc (09022015). Collection method: clinical testing. Allele origin: germline.

Blueprint Genetics
Classification: Likely benign. Last evaluated: 2023-06-28. Review status: criteria provided, single submitter. Criteria: ACMG Guidelines, 2015. Collection method: clinical testing. Allele origin: germline.

Ambry Genetics
Classification: Likely benign for Cardiovascular phenotype. Last evaluated: 2022-06-14. Review status: criteria provided, single submitter. Criteria: Ambry Variant Classification Scheme 2023. Collection method: clinical testing. Allele origin: germline.

Eurofins Ntd Llc (ga)
Classification: Uncertain significance. Last evaluated: 2018-01-19. Review status: criteria provided, single submitter. Criteria: EGL Classification Definitions 2015. Collection method: clinical testing. Allele origin: germline. Observed: 1 variant allele, 1 heterozygote.

Illumina Laboratory Services, Illumina
Classification: Likely benign for Isolated Nonsyndromic Congenital Heart Disease. Last evaluated: 2018-01-13. Review status: criteria provided, single submitter. Criteria: ICSL Variant Classification Criteria 13 December 2019. Collection method: clinical testing. Allele origin: germline.
Comment: This variant was observed in the ICSL laboratory as part of a predisposition screen in an ostensibly healthy population. It had not been previously curated by ICSL or reported in the Human Gene Mutation Database (HGMD: prior to June 1st, 2018), and was therefore a candidate for classification through an automated scoring system. Utilizing variant allele frequency, disease prevalence and penetrance estimates, and inheritance mode, an automated score was calculated to assess if this variant is too frequent to cause the disease. Based on the score and internal cut-off values, a variant classified as likely benign is not then subjected to further curation. The score for this variant resulted in a classification of likely benign for this disease.

NM_000214.3(JAG1):c.3153C>T (p.Ala1051=)

Gene: JAG1 (jagged canonical Notch ligand 1; minus strand). Cytogenetic location: 20p12.2.
Variant type: single nucleotide variant.
Coding change: c.3153C>T on transcript NM_000214.3 (MANE Select); coding-DNA position 3153, C replaced by T.
Protein change: p.Ala1051=; no amino-acid change (alanine 1051 retained).
Molecular consequence: synonymous variant.
Genome position (GRCh38, 1-based): chr20:10,640,829, G>A on the plus strand (C>T on the coding strand, the complement: JAG1 is on the minus strand). VCF-style: chr20-10640829-G-A. GRCh37 (hg19) VCF-style: chr20-10621477-G-A.
Other names: c.3153C>T, p.Ala1051= (LRG_1191t1).
Identifiers: ClinVar variation 595776 (VCV000595776.20), dbSNP rs754593633, ClinGen allele CA9764269.